The following is an entry in ClinVar:

ClinVar aggregate classification (germline): Uncertain significance. Review status: criteria provided, multiple submitters, no conflicts (2 of 4 stars). 2 submissions from 2 submitters: Uncertain significance (2). Last evaluated 2024-11-01.

Conditions:
Polyglucosan body myopathy type 1 (PGBM1). Also called: POLYGLUCOSAN BODY MYOPATHY WITHOUT IMMUNODEFICIENCY; Polyglucosan body myopathy 1 with or without immunodeficiency. Identifiers: Orphanet 329173, Orphanet 397937, MedGen C4014605, MONDO:0014389, OMIM 615895.

Allele frequency attached by ClinVar (database versions not stated): gnomAD 0.00002 and 0.00003; gnomAD exomes 0.00002; ExAC 0.00004; TOPMed 0.00006; ESP Exome Variant Server 0.00008.
gnomAD v4.1: 15 of 1,611,516 alleles (0.00093%); highest among the groups gnomAD compares: African/African-American, 0.011%; no homozygotes.

Submissions (2):

CeGaT Center for Human Genetics Tuebingen
Classification: Uncertain significance. Last evaluated: 2024-11-01. Review status: criteria provided, single submitter. Criteria: CeGaT Center For Human Genetics Tuebingen Variant Classification Criteria Version 2. Collection method: clinical testing. Allele origin: germline. Affected: yes. Observed: 1 variant allele.
Comment: RBCK1: PM2, BP4

Labcorp Genetics (formerly Invitae), Labcorp
Classification: Uncertain significance for Polyglucosan body myopathy type 1. Last evaluated: 2022-06-09. Review status: criteria provided, single submitter. Criteria: Invitae Variant Classification Sherloc (09022015). Collection method: clinical testing. Allele origin: germline.
Comment: This sequence change replaces glutamine, which is neutral and polar, with arginine, which is basic and polar, at codon 449 of the RBCK1 protein (p.Gln449Arg). This variant is present in population databases (rs371077650, gnomAD 0.02%). This variant has not been reported in the literature in individuals affected with RBCK1-related conditions. ClinVar contains an entry for this variant (Variation ID: 575892). Algorithms developed to predict the effect of missense changes on protein structure and function output the following: SIFT: "Not Available"; PolyPhen-2: "Benign"; Align-GVGD: "Not Available". The arginine amino acid residue is found in multiple mammalian species, which suggests that this missense change does not adversely affect protein function. Algorithms developed to predict the effect of sequence changes on RNA splicing suggest that this variant may disrupt the consensus splice site. In summary, the available evidence is currently insufficient to determine the role of this variant in disease. Therefore, it has been classified as a Variant of Uncertain Significance.

NM_031229.4(RBCK1):c.1346A>G (p.Gln449Arg)

Gene: RBCK1 (RANBP2-type and C3HC4-type zinc finger containing 1; plus strand). Cytogenetic location: 20p13.
Variant type: single nucleotide variant.
Coding change: c.1346A>G on transcript NM_031229.4 (MANE Select); coding-DNA position 1346, A replaced by G.
Protein change: p.Gln449Arg; replaces glutamine 449 with arginine.
Molecular consequence: missense variant. On other transcripts: non-coding transcript variant (1).
Genome position (GRCh38, 1-based): chr20:428,988, A>G. VCF-style: chr20-428988-A-G. GRCh37 (hg19) VCF-style: chr20-409632-A-G.
Other names: c.836A>G, p.Gln279Arg (NM_001323956.2, NM_001323958.2); c.1220A>G, p.Gln407Arg (NM_006462.6); short protein forms Q449R, Q279R, Q407R.
Identifiers: ClinVar variation 575892 (VCV000575892.22), dbSNP rs371077650, ClinGen allele CA9723357.